The following is an entry in ClinVar:

ClinVar aggregate classification (germline): Uncertain significance (1 of 4 stars; one submission).

Allele frequency attached by ClinVar (database versions not stated): gnomAD exomes below 0.00001; TOPMed below 0.00001.
gnomAD v4.1: 1 of 1,614,098 alleles (0.000062%); highest among the groups gnomAD compares: Non-Finnish European, 0.000085%; no homozygotes.

Submission:

Ambry Genetics
Classification: Uncertain significance. Last evaluated: 2024-03-14. Review status: criteria provided, single submitter. Criteria: Ambry Variant Classification Scheme 2023. Collection method: clinical testing. Allele origin: germline.
Comment: The p.S1822P variant (also known as c.5464T>C), located in coding exon 16 of the POLQ gene, results from a T to C substitution at nucleotide position 5464. The serine at codon 1822 is replaced by proline, an amino acid with similar properties. This amino acid position is conserved. In addition, this alteration is predicted to be tolerated by in silico analysis. Since supporting evidence is limited at this time, the clinical significance of this alteration remains unclear.

NM_199420.4(POLQ):c.5464T>C (p.Ser1822Pro)

Gene: POLQ (DNA polymerase theta; minus strand). Cytogenetic location: 3q13.33.
Variant type: single nucleotide variant.
Coding change: c.5464T>C on transcript NM_199420.4 (MANE Select); coding-DNA position 5464, T replaced by C.
Protein change: p.Ser1822Pro; replaces serine 1822 with proline.
Molecular consequence: missense variant.
Genome position (GRCh38, 1-based): chr3:121,487,467, A>G on the plus strand (T>C on the coding strand, the complement: POLQ is on the minus strand). VCF-style: chr3-121487467-A-G. GRCh37 (hg19) VCF-style: chr3-121206314-A-G.
Other names: short protein forms S1822P.
Identifiers: ClinVar variation 1747686 (VCV001747686.2), dbSNP rs2048021489, ClinGen allele CA354090127.
Genomic context (GRCh38, chr3:121,487,467, plus strand): 5'-TAATGAATGTTTGGAAAAGATTTTGGTCACTTGCTACATCAATTATGGACAAACTTTCTG[A>G]ACTGCTTGAGGCTGGAGTTAACTGTAATCCATCCTGTGATAACTGAAGTGAAAAGCTTGT-3'
Protein context (NP_955452.3, residues 1812-1832): GLQLTPASSS[Ser1822Pro]ESLSIIDVAS